The following is an entry in ClinVar:

ClinVar aggregate classification (germline): Conflicting classifications of pathogenicity. Review status: criteria provided, conflicting classifications (1 of 4 stars). 2 submissions from 2 submitters: Pathogenic (1); Uncertain significance (1). Last evaluated 2025-01-06.

Conditions:
Neurofibromatosis, type 1 (NF1). Also called: VON RECKLINGHAUSEN DISEASE; NEUROFIBROMATOSIS, TYPE I, SOMATIC; Peripheral type neurofibromatosis; Neurofibromatosis, type I. Identifiers: Orphanet 636, MedGen C0027831, MONDO:0018975, OMIM 162200. Disease mechanism: loss of function.

Submissions (2):

GeneDx
Classification: Uncertain significance. Last evaluated: 2025-01-06. Review status: criteria provided, single submitter. Criteria: GeneDx Variant Classification Process June 2021. Collection method: clinical testing. Allele origin: germline. Affected: yes.
Comment: Not observed at significant frequency in large population cohorts (gnomAD); In silico analysis supports that this missense variant has a deleterious effect on protein structure/function; This variant is associated with the following publications: (PMID: 27322474)

Labcorp Genetics (formerly Invitae), Labcorp
Classification: Pathogenic for Neurofibromatosis, type 1. Last evaluated: 2024-04-11. Review status: criteria provided, single submitter. Criteria: Invitae Variant Classification Sherloc (09022015). Collection method: clinical testing. Allele origin: germline.
Comment: This sequence change replaces threonine, which is neutral and polar, with arginine, which is basic and polar, at codon 2185 of the NF1 protein (p.Thr2185Arg). This variant is not present in population databases (gnomAD no frequency). This missense change has been observed in individual(s) with clinical features of neurofibromatosis type 1 (PMID: 27322474; Invitae). Advanced modeling of protein sequence and biophysical properties (such as structural, functional, and spatial information, amino acid conservation, physicochemical variation, residue mobility, and thermodynamic stability) performed at Invitae indicates that this missense variant is expected to disrupt NF1 protein function with a positive predictive value of 95%. For these reasons, this variant has been classified as Pathogenic.

Literature cited by the submitters: PubMed 27322474 (cited by Labcorp Genetics (formerly Invitae), Labcorp).

NM_001042492.3(NF1):c.6617C>G (p.Thr2206Arg)

Gene: NF1 (neurofibromin 1; plus strand). Cytogenetic location: 17q11.2.
Variant type: single nucleotide variant.
Coding change: c.6617C>G on transcript NM_001042492.3 (MANE Select); coding-DNA position 6617, C replaced by G.
Protein change: p.Thr2206Arg; replaces threonine 2206 with arginine.
Molecular consequence: missense variant.
Genome position (GRCh38, 1-based): chr17:31,337,557, C>G. VCF-style: chr17-31337557-C-G. GRCh37 (hg19) VCF-style: chr17-29664575-C-G.
Other names: c.6554C>G, p.Thr2185Arg (NM_000267.4); short protein forms T2206R, T2185R.
Identifiers: ClinVar variation 2762091 (VCV002762091.4), dbSNP rs1555534885, ClinGen allele CA399013446.